The following is an entry in ClinVar:

ClinVar aggregate classification (germline): Pathogenic/Likely pathogenic. Review status: criteria provided, multiple submitters, no conflicts (2 of 4 stars). 3 submissions from 3 submitters: Pathogenic (2); Likely pathogenic (1). Last evaluated 2023-12-03.

Conditions:
Inborn genetic diseases. Identifiers: MedGen C0950123, MeSH D030342.
Pitt-Hopkins-like syndrome 2 (PTHSL2). Identifiers: Orphanet 221150, Orphanet 600663, MedGen C3280479, MONDO:0013690, OMIM 614325.

Submissions (3):

GeneDx
Classification: Likely pathogenic. Last evaluated: 2023-12-03. Review status: criteria provided, single submitter. Criteria: GeneDx Variant Classification Process June 2021. Collection method: clinical testing. Allele origin: germline. Affected: yes.
Comment: Frameshift variant predicted to result in protein truncation or nonsense mediated decay in a gene for which loss of function is a known mechanism of disease; Not observed at significant frequency in large population cohorts (gnomAD); Has not been previously published as pathogenic or benign to our knowledge

Labcorp Genetics (formerly Invitae), Labcorp
Classification: Pathogenic for Pitt-Hopkins-like syndrome 2. Last evaluated: 2022-06-14. Review status: criteria provided, single submitter. Criteria: Invitae Variant Classification Sherloc (09022015). Collection method: clinical testing. Allele origin: germline.
Comment: This sequence change creates a premature translational stop signal (p.Phe971Serfs*8) in the NRXN1 gene. It is expected to result in an absent or disrupted protein product. Loss-of-function variants in NRXN1 are known to be pathogenic (PMID: 19896112, 21964664, 23495017, 23533028, 25149956, 30031152). This variant is not present in population databases (gnomAD no frequency). This variant has not been reported in the literature in individuals affected with NRXN1-related conditions. For these reasons, this variant has been classified as Pathogenic.

Ambry Genetics
Classification: Pathogenic for Inborn genetic diseases. Last evaluated: 2018-06-22. Review status: criteria provided, single submitter. Criteria: Ambry Variant Classification Scheme 2023. Collection method: clinical testing. Allele origin: germline.
Comment: The c.2912delT pathogenic mutation, located in coding exon 14 of the NRXN1 gene, results from a deletion of one nucleotide at nucleotide position 2912, causing a translational frameshift with a predicted alternate stop codon (p.F971Sfs*8). This alteration is expected to result in loss of function by premature protein truncation or nonsense-mediated mRNA decay. As such, this alteration is interpreted as a disease-causing mutation.

Literature cited by the submitters: PubMed 19896112 (cited by Labcorp Genetics (formerly Invitae), Labcorp); PubMed 21964664 (cited by Labcorp Genetics (formerly Invitae), Labcorp); PubMed 23495017 (cited by Labcorp Genetics (formerly Invitae), Labcorp); PubMed 23533028 (cited by Labcorp Genetics (formerly Invitae), Labcorp); PubMed 25149956 (cited by Labcorp Genetics (formerly Invitae), Labcorp); PubMed 30031152 (cited by Labcorp Genetics (formerly Invitae), Labcorp).

NM_001330078.2(NRXN1):c.2792del (p.Phe931fs)

Gene: NRXN1 (neurexin 1; minus strand). Cytogenetic location: 2p16.3.
Variant type: Deletion.
Coding change: c.2792del on transcript NM_001330078.2 (MANE Select); coding-DNA position 2792, one base deleted (T; older notation c.2792delT).
Protein change: p.Phe931fs; shifts the reading frame from phenylalanine 931.
Molecular consequence: frameshift variant.
Genome position (GRCh38, 1-based): chr2:50,497,420, A deleted on the plus strand (T on the coding strand, the reverse complement: NRXN1 is on the minus strand); the first of 7 consecutive A bases (chr2:50,497,420-50,497,426); deleting any one gives the same sequence. VCF-style (leftmost placement, unchanged base first): chr2-50497419-GA-G. GRCh37 (hg19) VCF-style: chr2-50724557-GA-G.
Other names: c.2912del (NM_001135659.1); c.2912delT (NM_001135659.1); c.2912del, p.Phe971fs (NM_001135659.3); c.2768del, p.Phe923fs (NM_001330077.2, NM_001330082.2); c.2726del, p.Phe909fs (NM_001330083.2, NM_001330084.2); c.2765del, p.Phe922fs (NM_001330085.2); c.2792del, p.Phe931fs (NM_001330086.2, NM_004801.6); c.2681del, p.Phe894fs (NM_001330087.2, NM_001330096.2); and 4 more; short protein forms F914fs, F922fs, F930fs, F971fs, F894fs, F904fs, F909fs, F923fs.
Identifiers: ClinVar variation 1451464 (VCV001451464.9), dbSNP rs1388095672, ClinGen allele CA645538554.